The following is an entry in ClinVar:

ClinVar aggregate classification (germline): Benign (1 of 4 stars; one submission).

Conditions:
Glycogen storage disease, type II (IOPD). Also called: Pompe Disease; CARDIOMEGALIA GLYCOGENICA DIFFUSA; GLYCOGENOSIS, GENERALIZED, CARDIAC FORM; GSD II; POMPE DISEASE, INFANTILE-ONSET; GLYCOGEN STORAGE DISEASE II, INFANTILE-ONSET. Identifiers: Orphanet 365, MedGen C0017921, MONDO:0009290, OMIM 232300.

gnomAD v4.1: 1,494 of 152,294 alleles (0.98%); highest among the groups gnomAD compares: African/African-American, 3.4%; 22 homozygotes.

Submission:

Genomenon, Inc
Classification: Benign for Glycogen storage disease, type II. Last evaluated: 2026-07-01. Review status: criteria provided, single submitter. Criteria: Genomenon Sequence Variant Interpretation Standards - Updated. Collection method: curation. Allele origin: germline. Affected: no.
Comment: GAA c.-32-884T>C is an intronic variant located in the 5′ untranslated region (5′ UTR). This variant is present at high allele frequency in population databases. We classify GAA c.-32-884T>C as a benign variant.

NM_000152.5(GAA):c.-32-884T>C

Gene: GAA (alpha glucosidase; plus strand). Cytogenetic location: 17q25.3.
Variant type: single nucleotide variant.
Coding change: c.-32-884T>C on transcript NM_000152.5 (MANE Select); 884 bases into the intron before 32 bases upstream of the start codon, T replaced by C.
Molecular consequence: intron variant.
Genome position (GRCh38, 1-based): chr17:80,103,671, T>C. VCF-style: chr17-80103671-T-C. GRCh37 (hg19) VCF-style: chr17-78077470-T-C.
Other names: c.-32-884T>C (NM_001406741.1, NM_001406742.1, NM_001079803.3 and 1 more transcripts).
Identifiers: ClinVar variation 4876423 (VCV004876423.1).